The following is an entry in ClinVar:

ClinVar aggregate classification (germline): Likely benign. Review status: criteria provided, multiple submitters, no conflicts (2 of 4 stars). 4 submissions from 4 submitters: Likely benign (4). Last evaluated 2026-03-02.

Conditions:
Hereditary nonpolyposis colorectal neoplasms. Identifiers: MedGen C0009405, MeSH D003123.
Hereditary cancer-predisposing syndrome. Also called: Neoplastic Syndromes, Hereditary; Tumor predisposition; Hereditary neoplastic syndrome; Hereditary Cancer Syndrome. Identifiers: Orphanet 140162, MedGen C0027672, MeSH D009386, MONDO:0015356.
Lynch syndrome 4 (LYNCH4). Also called: Colorectal cancer, hereditary nonpolyposis, type 4; Hereditary non-polyposis colorectal cancer, type 4. Identifiers: Orphanet 144, MedGen C1838333, MONDO:0013699, OMIM 614337. Disease mechanism: loss of function.

Submissions (4):

Ambry Genetics
Classification: Likely benign for Hereditary cancer-predisposing syndrome. Last evaluated: 2026-03-02. Review status: criteria provided, single submitter. Criteria: Ambry Variant Classification Scheme 2023. Collection method: clinical testing. Allele origin: germline.

Labcorp Genetics (formerly Invitae), Labcorp
Classification: Likely benign for Hereditary nonpolyposis colorectal neoplasms. Last evaluated: 2025-07-25. Review status: criteria provided, single submitter. Criteria: Invitae Variant Classification Sherloc (09022015). Collection method: clinical testing. Allele origin: germline.

Myriad Genetics, Inc.
Classification: Likely benign for Lynch syndrome 4. Last evaluated: 2025-02-04. Review status: criteria provided, single submitter. Criteria: Myriad Autosomal Dominant, Autosomal Recessive and X-Linked Classification Criteria (2023). Collection method: clinical testing. Allele origin: unknown.
Comment: This variant is considered likely benign. This variant is intronic and is not expected to impact mRNA splicing.

GeneDx
Classification: Likely benign. Last evaluated: 2016-04-11. Review status: criteria provided, single submitter. Criteria: GeneDx Variant Classification (06012015). Collection method: clinical testing. Allele origin: germline. Affected: yes.
Comment: This variant is considered likely benign or benign based on one or more of the following criteria: it is a conservative change, it occurs at a poorly conserved position in the protein, it is predicted to be benign by multiple in silico algorithms, and/or has population frequency not consistent with disease.

NM_000535.7(PMS2):c.2445+8A>G

Gene: PMS2 (PMS1 homolog 2, mismatch repair system component; minus strand). Cytogenetic location: 7p22.1.
Variant type: single nucleotide variant.
Coding change: c.2445+8A>G on transcript NM_000535.7 (MANE Select); 8 bases into the intron after coding-DNA position 2445, A replaced by G.
Molecular consequence: intron variant.
Genome position (GRCh38, 1-based): chr7:5,977,580, T>C on the plus strand (A>G on the coding strand, the complement: PMS2 is on the minus strand). VCF-style: chr7-5977580-T-C. GRCh37 (hg19) VCF-style: chr7-6017211-T-C.
Other names: c.2073+8A>G (NM_001322009.2); c.2040+8A>G (NM_001322005.2, NM_001322004.2, NM_001322003.2); c.2127+8A>G (NM_001322008.2, NM_001322007.2); c.1884+8A>G (NM_001322010.2); c.1872+8A>G (NM_001322013.2); c.1512+8A>G (NM_001322012.2, NM_001322011.2); c.2136+8A>G (NM_001322015.2); c.2289+8A>G (NM_001322006.2); and 1 more.
Identifiers: ClinVar variation 385297 (VCV000385297.13), dbSNP rs1057522180, ClinGen allele CA16605234.